The following is an entry in ClinVar:

NM_001318852.2(MAPK8IP3):c.2486T>C (p.Leu829Pro)

Gene: MAPK8IP3 (mitogen-activated protein kinase 8 interacting protein 3; plus strand). Cytogenetic location: 16p13.3.
Variant type: single nucleotide variant.
Coding change: c.2486T>C on transcript NM_001318852.2 (MANE Select); coding-DNA position 2486, T replaced by C.
Protein change: p.Leu829Pro; replaces leucine 829 with proline.
Molecular consequence: missense variant.
Genome position (GRCh38, 1-based): chr16:1,765,999, T>C. VCF-style: chr16-1765999-T-C. GRCh37 (hg19) VCF-style: chr16-1816000-T-C.
Other names: c.2465T>C, p.Leu822Pro (NM_001040439.2); c.2483T>C, p.Leu828Pro (NM_015133.5, NM_033392.3); short protein forms L822P, L828P, L829P.
Identifiers: ClinVar variation 3047931 (VCV003047931.2), dbSNP rs750658315, ClinGen allele CA7817308.

ClinVar aggregate classification (germline): Likely benign (0 of 4 stars; one submission).

Conditions:
MAPK8IP3-related disorder. Also called: MAPK8IP3-related condition.

Allele frequency attached by ClinVar (database versions not stated): gnomAD 0.00002; ExAC 0.00018.
gnomAD v4.1: 115 of 1,612,746 alleles (0.0071%); highest among the groups gnomAD compares: South Asian, 0.12%; 1 homozygote.

Submission:

PreventionGenetics, part of Exact Sciences
Classification: Likely benign for MAPK8IP3-related condition. Last evaluated: 2022-05-10. Review status: no assertion criteria provided. Collection method: clinical testing. Allele origin: germline.
Comment: This variant is classified as likely benign based on ACMG/AMP sequence variant interpretation guidelines (Richards et al. 2015 PMID: 25741868, with internal and published modifications).